The following is an entry in ClinVar:

ClinVar aggregate classification (germline): Likely pathogenic (1 of 4 stars; one submission).

Conditions:
Primary dilated cardiomyopathy (DCM). Also called: Dilated Cardiomyopathy. Identifiers: Orphanet 217604, MedGen C0007193, MeSH D002311, MONDO:0005021, HP:0001644. Inheritance: Various modes of inheritance.

Allele frequency attached by ClinVar (database versions not stated): TOPMed below 0.00001; gnomAD 0.00001.

Submission:

Laboratory for Molecular Medicine, Mass General Brigham Personalized Medicine
Classification: Likely pathogenic for Primary dilated cardiomyopathy. Last evaluated: 2018-07-10. Review status: criteria provided, single submitter. Criteria: ACMG Guidelines, 2015. Collection method: clinical testing. Allele origin: germline. Inheritance: Autosomal dominant inheritance.
Comment: The p.Val18350SerfsX2 variant in TTN has not been previously reported in individuals with DCM and was absent from large population studies. This variant is predicted to cause a frameshift, which alters the protein’s amino acid sequence beginning at position 18350 and leads to a premature termination codon 2 amino acids downstream. This alteration is then predicted to lead to a truncated or absent protein. Frameshift and other truncating variants in TTN are strongly associated with DCM if they impact the exons encoding for the A-band (Herman 2012, Pugh 2014) and/or are located in an exon that is highly expressed in the heart (Roberts 2015). The p.Val18350SerfsX2 variant is located in A-band in the highly expressed exon 253. In summary, although additional studies are required to fully establish its clinical significance, the p.Val18350SerfsX2 variant is likely pathogenic. ACMG/AMP criteria applied: PVS1, PM2.

NM_001267550.2(TTN):c.62751del (p.Val20918fs)

Genes: TTN (titin; minus strand), TTN-AS1 (TTN antisense RNA 1; plus strand). Cytogenetic location: 2q31.2.
Variant type: Deletion.
Coding change: c.62751del on transcript NM_001267550.2 (MANE Select); coding-DNA position 62751, one base deleted (T; older notation c.62751delT).
Protein change: p.Val20918fs; shifts the reading frame from valine 20918.
Molecular consequence: frameshift variant.
Genome position (GRCh38, 1-based): chr2:178,588,974, A deleted on the plus strand (T on the coding strand, the reverse complement: TTN is on the minus strand). VCF-style (leftmost placement, unchanged base first): chr2-178588973-CA-C. GRCh37 (hg19) VCF-style: chr2-179453700-CA-C.
Other names: c.57828del, p.Val19277fs (NM_001256850.1); c.35556del, p.Val11853fs (NM_003319.4); c.55047del, p.Val18350fs (NM_133378.4); c.35931del, p.Val11978fs (NM_133432.3); c.36132del, p.Val12045fs (NM_133437.4); short protein forms V11853fs, V11978fs, V12045fs, V18350fs, V19277fs, V20918fs.
Identifiers: ClinVar variation 3076073 (VCV003076073.1), dbSNP rs1158911896, ClinGen allele CA761284704.